The following is an entry in ClinVar:

ClinVar aggregate classification (germline): Uncertain significance (1 of 4 stars; one submission).

Allele frequency attached by ClinVar (database versions not stated): gnomAD exomes below 0.00001; TOPMed below 0.00001; gnomAD 0.00001.
gnomAD v4.1: 3 of 1,614,050 alleles (0.00019%); highest among the groups gnomAD compares: Non-Finnish European, 0.00017%; no homozygotes.

Submission:

Labcorp Genetics (formerly Invitae), Labcorp
Classification: Uncertain significance. Last evaluated: 2021-08-05. Review status: criteria provided, single submitter. Criteria: Invitae Variant Classification Sherloc (09022015). Collection method: clinical testing. Allele origin: germline.
Comment: In summary, the available evidence is currently insufficient to determine the role of this variant in disease. Therefore, it has been classified as a Variant of Uncertain Significance. Advanced modeling of protein sequence and biophysical properties (such as structural, functional, and spatial information, amino acid conservation, physicochemical variation, residue mobility, and thermodynamic stability) performed at Invitae indicates that this missense variant is expected to disrupt CLCNKB protein function. This variant has not been reported in the literature in individuals affected with CLCNKB-related conditions. This variant is not present in population databases (ExAC no frequency). This sequence change replaces serine with phenylalanine at codon 107 of the CLCNKB protein (p.Ser107Phe). The serine residue is highly conserved and there is a large physicochemical difference between serine and phenylalanine.

NM_000085.5(CLCNKB):c.320C>T (p.Ser107Phe)

Genes: CLCNKB (chloride voltage-gated channel Kb; plus strand), LOC106501713 (CLCNKB recombination region; plus strand). Cytogenetic location: 1p36.13.
Variant type: single nucleotide variant.
Coding change: c.320C>T on transcript NM_000085.5 (MANE Select); coding-DNA position 320, C replaced by T.
Protein change: p.Ser107Phe; replaces serine 107 with phenylalanine.
Molecular consequence: missense variant.
Genome position (GRCh38, 1-based): chr1:16,046,625, C>T. VCF-style: chr1-16046625-C-T. GRCh37 (hg19) VCF-style: chr1-16373120-C-T.
Other names: short protein forms S107F.
Identifiers: ClinVar variation 1396334 (VCV001396334.6), dbSNP rs1429750988, ClinGen allele CA338632327.